The following is an entry in ClinVar:

ClinVar aggregate classification (germline): Conflicting classifications of pathogenicity. Review status: criteria provided, conflicting classifications (1 of 4 stars). 3 submissions from 3 submitters: Likely pathogenic (1); Uncertain significance (2). Last evaluated 2024-11-01.

Conditions:
HADHB-related disorder. Also called: HADHB-related condition.
Mitochondrial trifunctional protein deficiency 2 (MTPD2). Identifiers: MedGen C5830374, MONDO:0958185, OMIM 620300.
Mitochondrial trifunctional protein deficiency. Identifiers: Orphanet 746, MedGen C1969443, MONDO:0012172.

Allele frequency attached by ClinVar (database versions not stated): gnomAD exomes below 0.00001; gnomAD 0.00001; TOPMed 0.00001.
gnomAD v4.1: 6 of 1,612,402 alleles (0.00037%); highest among the groups gnomAD compares: East Asian, 0.0022%; no homozygotes.

Submissions (3):

PreventionGenetics, part of Exact Sciences
Classification: Uncertain significance for HADHB-related condition. Last evaluated: 2024-11-01. Review status: criteria provided, single submitter. Criteria: ACMG Guidelines, 2015. Collection method: clinical testing. Allele origin: germline.
Comment: The HADHB c.901G>A variant is predicted to result in the amino acid substitution p.Gly301Ser. This variant was reported in the heterozygous state in individuals with mitochondrial trifunctional protein deficiency; however, none of these patients had a second potential causative variant (reported as c.901G>A, p.G268S in Spiekerkoetter et al 2003. PubMed ID: 12754706; Boese et al 2016. PubMed ID: 27491397). Another missense variant affecting the same amino acid (p.Gly301Asp) has also been associated with mitochondrial trifunctional protein deficiency (Boutron et al. 2011. PubMed ID: 21549624). This variant is reported in 0.00088% of alleles in individuals of European (Non-Finnish) descent in gnomAD. Although we suspect that this variant may be pathogenic, at this time, this variant is classified as uncertain due to the absence of conclusive functional and genetic evidence.

Fulgent Genetics
Classification: Likely pathogenic for Mitochondrial trifunctional protein deficiency 2. Last evaluated: 2024-04-16. Review status: criteria provided, single submitter. Criteria: ACMG Guidelines, 2015. Collection method: clinical testing. Allele origin: germline.

Labcorp Genetics (formerly Invitae), Labcorp
Classification: Uncertain significance for Mitochondrial trifunctional protein deficiency. Last evaluated: 2022-07-08. Review status: criteria provided, single submitter. Criteria: Invitae Variant Classification Sherloc (09022015). Collection method: clinical testing. Allele origin: germline.
Comment: This sequence change replaces glycine, which is neutral and non-polar, with serine, which is neutral and polar, at codon 301 of the HADHB protein (p.Gly301Ser). This variant is present in population databases (no rsID available, gnomAD 0.0009%). This missense change has been observed in individual(s) with trifunctional protein deficiency (PMID: 12754706, 27491397). ClinVar contains an entry for this variant (Variation ID: 1378781). Algorithms developed to predict the effect of missense changes on protein structure and function (SIFT, PolyPhen-2, Align-GVGD) all suggest that this variant is likely to be disruptive. In summary, the available evidence is currently insufficient to determine the role of this variant in disease. Therefore, it has been classified as a Variant of Uncertain Significance.

Literature cited by the submitters: PubMed 12754706 (cited by Labcorp Genetics (formerly Invitae), Labcorp); PubMed 27491397 (cited by Labcorp Genetics (formerly Invitae), Labcorp).

NM_000183.3(HADHB):c.901G>A (p.Gly301Ser)

Gene: HADHB (hydroxyacyl-CoA dehydrogenase trifunctional multienzyme complex subunit beta; plus strand). Cytogenetic location: 2p23.3.
Variant type: single nucleotide variant.
Coding change: c.901G>A on transcript NM_000183.3 (MANE Select); coding-DNA position 901, G replaced by A.
Protein change: p.Gly301Ser; replaces glycine 301 with serine.
Molecular consequence: missense variant.
Genome position (GRCh38, 1-based): chr2:26,280,083, G>A. VCF-style: chr2-26280083-G-A. GRCh37 (hg19) VCF-style: chr2-26502951-G-A.
Other names: c.856G>A, p.Gly286Ser (NM_001281512.2); c.835G>A, p.Gly279Ser (NM_001281513.2); c.901G>A (NM_000183.2); short protein forms G279S, G286S, G301S.
Identifiers: ClinVar variation 1378781 (VCV001378781.7), dbSNP rs891954464, ClinGen allele CA44337398.
Genomic context (GRCh38, chr2:26,280,083, plus strand): 5'-ATCCGTCCTTCCTCACTGGAGCAGATGGCCAAACTAAAACCTGCATTCATCAAGCCCTAC[G>A]GCACAGTGACAGCTGCAAATTCTTCTTTCTTGGTAACTGTCAATGTTATTTGTATTTAGT-3'
Protein context (NP_000174.1, residues 291-311): KLKPAFIKPY[Gly301Ser]TVTAANSSFL